The following is an entry in ClinVar:

NM_000070.3(CAPN3):c.101C>G (p.Ala34Gly)

Gene: CAPN3 (calpain 3; plus strand). Cytogenetic location: 15q15.1.
Variant type: single nucleotide variant.
Coding change: c.101C>G on transcript NM_000070.3 (MANE Select); coding-DNA position 101, C replaced by G.
Protein change: p.Ala34Gly; replaces alanine 34 with glycine.
Molecular consequence: missense variant.
Genome position (GRCh38, 1-based): chr15:42,359,906, C>G. VCF-style: chr15-42359906-C-G. GRCh37 (hg19) VCF-style: chr15-42652104-C-G.
Other names: c.101C>G, p.Ala34Gly (NM_024344.2, NM_173087.2); short protein forms A34G.
Identifiers: ClinVar variation 863057 (VCV000863057.10), dbSNP rs2052593680, ClinGen allele CA391994271.
Genomic context (GRCh38, chr15:42,359,906, plus strand): 5'-CGGCTGAGCCCCGGTCCCCAGGGCCAGTTCCTCACCCGGCCCAGAGCAAGGCCACTGAGG[C>G]TGGGGGTGGAAACCCAAGTGGCATCTATTCAGCCATCATCAGCCGCAATTTTCCTATTAT-3'
Protein context (NP_000061.1, residues 24-44): PHPAQSKATE[Ala34Gly]GGGNPSGIYS

ClinVar aggregate classification (germline): Uncertain significance (1 of 4 stars; one submission).

Conditions:
Autosomal recessive limb-girdle muscular dystrophy type 2A (LGMDR1). Also called: LEYDEN-MOEBIUS MUSCULAR DYSTROPHY; MUSCULAR DYSTROPHY, PELVOFEMORAL; Limb-girdle muscular dystrophy, type 2A; Calpainopathy; Muscular dystrophy, limb-girdle, type 2A, Amish. Identifiers: Orphanet 267, MedGen C1869123, MONDO:0009675, OMIM 253600. Disease mechanism: loss of function.

Submission:

Labcorp Genetics (formerly Invitae), Labcorp
Classification: Uncertain significance for Autosomal recessive limb-girdle muscular dystrophy type 2A. Last evaluated: 2022-09-22. Review status: criteria provided, single submitter. Criteria: Invitae Variant Classification Sherloc (09022015). Collection method: clinical testing. Allele origin: germline.
Comment: Algorithms developed to predict the effect of sequence changes on RNA splicing suggest that this variant may create or strengthen a splice site. In summary, the available evidence is currently insufficient to determine the role of this variant in disease. Therefore, it has been classified as a Variant of Uncertain Significance. Algorithms developed to predict the effect of missense changes on protein structure and function (SIFT, PolyPhen-2, Align-GVGD) all suggest that this variant is likely to be tolerated. ClinVar contains an entry for this variant (Variation ID: 863057). This variant has not been reported in the literature in individuals affected with CAPN3-related conditions. This variant is not present in population databases (gnomAD no frequency). This sequence change replaces alanine, which is neutral and non-polar, with glycine, which is neutral and non-polar, at codon 34 of the CAPN3 protein (p.Ala34Gly).